The following is an entry in ClinVar:

ClinVar aggregate classification (germline): Likely benign (1 of 4 stars; one submission).

Conditions:
Glycogen storage disease, type II (IOPD). Also called: Pompe Disease; CARDIOMEGALIA GLYCOGENICA DIFFUSA; GLYCOGENOSIS, GENERALIZED, CARDIAC FORM; GSD II; POMPE DISEASE, INFANTILE-ONSET; GLYCOGEN STORAGE DISEASE II, INFANTILE-ONSET. Identifiers: Orphanet 365, MedGen C0017921, MONDO:0009290, OMIM 232300.

Submission:

Genomenon, Inc
Classification: Likely benign for Glycogen storage disease, type II. Last evaluated: 2026-07-01. Review status: criteria provided, single submitter. Criteria: Genomenon Sequence Variant Interpretation Standards - Updated. Collection method: curation. Allele origin: germline. Affected: yes.
Comment: GAA c.885C>T is a synonymous variant that retains Histidine at codon 295. This variant has been observed in at least one proband with a GAA-related disorder (PMID:33073003). It is absent or not present at a significant frequency in gnomAD. This variant is not predicted to impact splicing. In conclusion, we classify GAA c.885C>T (p.His295=) as a likely benign variant.

Literature cited by the submitters: PubMed 33073003.

NM_000152.5(GAA):c.885C>T (p.His295=)

Gene: GAA (alpha glucosidase; plus strand). Cytogenetic location: 17q25.3.
Variant type: single nucleotide variant.
Coding change: c.885C>T on transcript NM_000152.5 (MANE Select); coding-DNA position 885, C replaced by T.
Protein change: p.His295=; no amino-acid change (histidine 295 retained).
Molecular consequence: synonymous variant.
Genome position (GRCh38, 1-based): chr17:80,107,826, C>T. VCF-style: chr17-80107826-C-T. GRCh37 (hg19) VCF-style: chr17-78081625-C-T.
Other names: c.885C>T, p.His295= (NM_001079803.3, NM_001079804.3, NM_001406741.1 and 1 more transcripts).
Identifiers: ClinVar variation 4876545 (VCV004876545.1).